The following is an entry in ClinVar:

NM_001142800.2(EYS):c.8564A>G (p.Asn2855Ser)

Genes: EYS (EGF-like photoreceptor maintenance factor; minus strand), PHF3 (PHD finger protein 3; plus strand). Cytogenetic location: 6q12.
Variant type: single nucleotide variant.
Coding change: c.8564A>G on transcript NM_001142800.2 (MANE Select); coding-DNA position 8564, A replaced by G.
Protein change: p.Asn2855Ser; replaces asparagine 2855 with serine.
Molecular consequence: missense variant. On other transcripts: 3 prime UTR variant (5).
Genome position (GRCh38, 1-based): chr6:63,721,467, T>C on the plus strand (A>G on the coding strand, the complement: EYS is on the minus strand). VCF-style: chr6-63721467-T-C. GRCh37 (hg19) VCF-style: chr6-64431363-T-C.
Other names: c.*7759T>C (NM_001290259.2, NM_001370348.2, NM_001370349.2 and 2 more transcripts); c.8627A>G, p.Asn2876Ser (NM_001292009.2); short protein forms N2876S, N2855S.
Identifiers: ClinVar variation 2091383 (VCV002091383.4), dbSNP rs936322988, ClinGen allele CA140236845.

ClinVar aggregate classification (germline): Uncertain significance (1 of 4 stars; one submission).

Allele frequency attached by ClinVar (database versions not stated): TOPMed 0.00001.

Submission:

Labcorp Genetics (formerly Invitae), Labcorp
Classification: Uncertain significance. Last evaluated: 2022-07-19. Review status: criteria provided, single submitter. Criteria: Invitae Variant Classification Sherloc (09022015). Collection method: clinical testing. Allele origin: germline.
Comment: In summary, the available evidence is currently insufficient to determine the role of this variant in disease. Therefore, it has been classified as a Variant of Uncertain Significance. Algorithms developed to predict the effect of missense changes on protein structure and function are either unavailable or do not agree on the potential impact of this missense change (SIFT: "Deleterious"; PolyPhen-2: "Benign"; Align-GVGD: "Class C0"). This variant has not been reported in the literature in individuals affected with EYS-related conditions. This variant is not present in population databases (gnomAD no frequency). This sequence change replaces asparagine, which is neutral and polar, with serine, which is neutral and polar, at codon 2855 of the EYS protein (p.Asn2855Ser).